The following is an entry in ClinVar:

ClinVar aggregate classification (germline): Benign. Review status: criteria provided, multiple submitters, no conflicts (2 of 4 stars). 3 submissions from 3 submitters: Benign (2). 1 of the submissions does not count toward it. Last evaluated 2021-05-04.

Conditions:
ATP6V1A-related disorder. Also called: ATP6V1A-related condition.

Allele frequency attached by ClinVar (database versions not stated): gnomAD 0.00825 and 0.00998; ESP Exome Variant Server 0.00838; TOPMed 0.00956; ExAC 0.01297; 1000 Genomes Project 0.02496; 1000 Genomes Project 30x 0.02514.
gnomAD v4.1: 8,945 of 1,610,360 alleles (0.56%); highest among the groups gnomAD compares: South Asian, 5.6%; 254 homozygotes.

Submissions (3):

GeneDx
Classification: Benign. Last evaluated: 2021-05-04. Review status: criteria provided, single submitter. Criteria: GeneDx Variant Classification Process June 2021. Collection method: clinical testing. Allele origin: germline. Affected: yes.

Breakthrough Genomics
Classification: Benign. Review status: criteria provided, single submitter. Criteria: ACMG Guidelines, 2015. Collection method: not provided. Allele origin: germline. Inheritance: Autosomal recessive inheritance. Affected: yes.

PreventionGenetics, part of Exact Sciences
Classification: Benign for ATP6V1A-related condition. Last evaluated: 2019-04-10. Review status: no assertion criteria provided. Collection method: clinical testing. Allele origin: germline. Not counted in ClinVar's aggregate classification.
Comment: This variant is classified as benign based on ACMG/AMP sequence variant interpretation guidelines (Richards et al. 2015 PMID: 25741868, with internal and published modifications).

NM_001690.4(ATP6V1A):c.*4C>T

Gene: ATP6V1A (ATPase H+ transporting V1 subunit A; plus strand). Cytogenetic location: 3q13.31.
Variant type: single nucleotide variant.
Coding change: c.*4C>T on transcript NM_001690.4 (MANE Select); 4 bases downstream of the stop codon, C replaced by T.
Molecular consequence: 3 prime UTR variant.
Genome position (GRCh38, 1-based): chr3:113,809,431, C>T. VCF-style: chr3-113809431-C-T. GRCh37 (hg19) VCF-style: chr3-113528278-C-T.
Other names: c.*4C>T (NM_001690.3).
Identifiers: ClinVar variation 1246211 (VCV001246211.5), dbSNP rs80048233, ClinGen allele CA2548178.
Genomic context (GRCh38, chr3:113,809,431, plus strand): 5'-GACTATGCACAACTTCTTGAAGACATGCAGAATGCATTCCGTAGCCTTGAAGATTAGAAG[C>T]CTTGAAGATTACAACTGTGATTTCCTTTTCCTCAGCAAGCTCCTATGTGTATATTTTCCT-3'